The following is an entry in ClinVar:

ClinVar aggregate classification (germline): Uncertain significance (1 of 4 stars; one submission).

Conditions:
Charcot-Marie-Tooth disease type 2. Also called: Charcot-Marie-Tooth type 2. Identifiers: Orphanet 64746, MedGen C0270914, MONDO:0018993.

Submission:

Labcorp Genetics (formerly Invitae), Labcorp
Classification: Uncertain significance for Charcot-Marie-Tooth disease type 2. Last evaluated: 2024-05-20. Review status: criteria provided, single submitter. Criteria: Invitae Variant Classification Sherloc (09022015). Collection method: clinical testing. Allele origin: germline.
Comment: This sequence change replaces leucine, which is neutral and non-polar, with arginine, which is basic and polar, at codon 248 of the LMNA protein (p.Leu248Arg). This variant is not present in population databases (gnomAD no frequency). This variant has not been reported in the literature in individuals affected with LMNA-related conditions. ClinVar contains an entry for this variant (Variation ID: 1020135). Advanced modeling of protein sequence and biophysical properties (such as structural, functional, and spatial information, amino acid conservation, physicochemical variation, residue mobility, and thermodynamic stability) performed at Invitae indicates that this missense variant is expected to disrupt LMNA protein function with a positive predictive value of 95%. In summary, the available evidence is currently insufficient to determine the role of this variant in disease. Therefore, it has been classified as a Variant of Uncertain Significance.

NM_170707.4(LMNA):c.743T>G (p.Leu248Arg)

Gene: LMNA (lamin A/C; plus strand). Cytogenetic location: 1q22.
Variant type: single nucleotide variant.
Coding change: c.743T>G on transcript NM_170707.4 (MANE Select); coding-DNA position 743, T replaced by G.
Protein change: p.Leu248Arg; replaces leucine 248 with arginine.
Molecular consequence: missense variant.
Genome position (GRCh38, 1-based): chr1:156,134,908, T>G. VCF-style: chr1-156134908-T-G. GRCh37 (hg19) VCF-style: chr1-156104699-T-G.
Other names: c.407T>G, p.Leu136Arg (NM_001257374.3); c.500T>G, p.Leu167Arg (NM_001282624.2); c.743T>G, p.Leu248Arg (NM_001282625.2, NM_001282626.2, NM_005572.4 and 1 more transcripts); short protein forms L136R, L167R, L248R.
Identifiers: ClinVar variation 1020135 (VCV001020135.8), dbSNP rs58850446, ClinGen allele CA342817310.
Genomic context (GRCh38, chr1:156,134,908, plus strand): 5'-AGATTGACAATGGGAAGCAGCGTGAGTTTGAGAGCCGGCTGGCGGATGCGCTGCAGGAAC[T>G]GCGGGCCCAGCATGAGGACCAGGTGGAGCAGTATAAGAAGGAGCTGGAGAAGACTTATTC-3'
Protein context (NP_733821.1, residues 238-258): ESRLADALQE[Leu248Arg]RAQHEDQVEQ